The following is an entry in ClinVar:

ClinVar aggregate classification (germline): Likely pathogenic. Review status: criteria provided, multiple submitters, no conflicts (2 of 4 stars). 3 submissions from 3 submitters: Likely pathogenic (3). Last evaluated 2025-12-30.

Conditions:
ANKRD11-related disorder. Also called: ANKRD11-related condition.
KBG syndrome (KBGS). Also called: ANKRD11-Related KBG Syndrome. Identifiers: Orphanet 2332, MedGen C0220687, MONDO:0007846, OMIM 148050.

Submissions (3):

Variantyx, Inc.
Classification: Likely pathogenic for KBG syndrome. Last evaluated: 2025-12-30. Review status: criteria provided, single submitter. Criteria: Variantyx Assertion Criteria 2022. Collection method: clinical testing. Allele origin: germline. Inheritance: Autosomal dominant inheritance. Affected: yes.
Comment: This is a frameshift variant in the ANKRD11 gene (OMIM: 611192). Pathogenic variants in this gene have been associated with autosomal dominant KBG syndrome. This variant introduces a premature termination codon in exon 9 out of 13a nd is expected to result in loss of function, which is a known disease mechanism for ANKRD11 in this disorder (PMID: 21782149;32725632) (PVS1). This variant is absent from control populations (PM2). Based on the current evidence, this variant is classified as likely pathogenic for autosomal dominant KBG syndrome.

PreventionGenetics, part of Exact Sciences
Classification: Likely pathogenic for ANKRD11-related condition. Last evaluated: 2025-08-20. Review status: criteria provided, single submitter. Criteria: ACMG Guidelines, 2015. Collection method: clinical testing. Allele origin: germline.
Comment: The ANKRD11 c.4306_4307delGA variant is predicted to result in a frameshift and premature protein termination (p.Glu1436Thrfs*15). To our knowledge, this variant has not been reported in the literature or in a large population database (gnomAD), indicating this variant is rare. Frameshift variants in ANKRD11 are expected to be pathogenic. This variant is interpreted as likely pathogenic.

Revvity Omics, Revvity
Classification: Likely pathogenic for KBG syndrome. Last evaluated: 2022-08-26. Review status: criteria provided, single submitter. Criteria: ACMG Guidelines, 2015. Collection method: clinical testing. Allele origin: germline.

Literature cited by the submitters: PubMed 21782149 (cited by Variantyx, Inc.); PubMed 32725632 (cited by Variantyx, Inc.).

NM_013275.6(ANKRD11):c.4306_4307del (p.Glu1436fs)

Gene: ANKRD11 (ankyrin repeat domain 11; minus strand). Cytogenetic location: 16q24.3.
Variant type: Microsatellite.
Coding change: c.4306_4307del on transcript NM_013275.6 (MANE Select); coding-DNA positions 4306 to 4307, 2 bases deleted (GA; older notation c.4306_4307delGA).
Protein change: p.Glu1436fs; shifts the reading frame from glutamic acid 1436.
Molecular consequence: frameshift variant.
Genome position (GRCh38, 1-based): chr16:89,282,235-89,282,236, TC deleted on the plus strand (GA on the coding strand, the reverse complement: ANKRD11 is on the minus strand); deleting any 2 consecutive bases within chr16:89,282,235-89,282,242 gives the same sequence; the c. name uses the placement nearest the transcript's 3' end. VCF-style (leftmost placement, unchanged base first): chr16-89282234-TTC-T. GRCh37 (hg19) VCF-style: chr16-89348642-TTC-T.
Other names: c.4306_4307delGA (NM_013275.5); c.4306_4307del, p.Glu1436fs (NM_001256183.2, NM_001256182.2); short protein forms E1436fs.
Identifiers: ClinVar variation 2433945 (VCV002433945.5), dbSNP rs2544233416, ClinGen allele CA2580613975.